The following is an entry in ClinVar:

ClinVar aggregate classification (germline): Uncertain significance (1 of 4 stars; one submission).

Conditions:
Inborn genetic diseases. Identifiers: MedGen C0950123, MeSH D030342.

gnomAD v4.1: 1 of 1,589,584 alleles (0.000063%); no homozygotes.

Submission:

Ambry Genetics
Classification: Uncertain significance for Inborn genetic diseases. Last evaluated: 2025-11-24. Review status: criteria provided, single submitter. Criteria: Ambry Variant Classification Scheme 2023. Collection method: clinical testing. Allele origin: germline.
Comment: The p.P584A variant (also known as c.1750C>G), located in coding exon 12 of the CDH2 gene, results from a C to G substitution at nucleotide position 1750. The proline at codon 584 is replaced by alanine, an amino acid with highly similar properties. This amino acid position is conserved. In addition, this alteration is predicted to be tolerated by in silico analysis. Based on the available evidence, the clinical significance of this variant remains unclear.

NM_001792.5(CDH2):c.1750C>G (p.Pro584Ala)

Gene: CDH2 (cadherin 2; minus strand). Cytogenetic location: 18q12.1.
Variant type: single nucleotide variant.
Coding change: c.1750C>G on transcript NM_001792.5 (MANE Select); coding-DNA position 1750, C replaced by G.
Protein change: p.Pro584Ala; replaces proline 584 with alanine.
Molecular consequence: missense variant.
Genome position (GRCh38, 1-based): chr18:27,985,753, G>C on the plus strand (C>G on the coding strand, the complement: CDH2 is on the minus strand). VCF-style: chr18-27985753-G-C. GRCh37 (hg19) VCF-style: chr18-25565717-G-C.
Other names: c.1657C>G, p.Pro553Ala (NM_001308176.2); short protein forms P553A, P584A.
Identifiers: ClinVar variation 4608787 (VCV004608787.1).
Genomic context (GRCh38, chr18:27,985,753, plus strand): 5'-GAGGGGCATTGTCATTAATATCAAGTAAATAGATCTGCAGCGTTCCTGTTCCACTCATAG[G>C]AGGAATTCCTGAAAAGAGAGAAAAATCACAAATGATGCTGAACAGTTCTCTCCAATGAGC-3'
Protein context (NP_001783.2, residues 574-594): TFLASDNGIP[Pro584Ala]MSGTGTLQIY